The following is an entry in ClinVar:

NM_000129.4(F13A1):c.1271G>A (p.Cys424Tyr)

Gene: F13A1 (coagulation factor XIII A chain; minus strand). Cytogenetic location: 6p25.1.
Variant type: single nucleotide variant.
Coding change: c.1271G>A on transcript NM_000129.4 (MANE Select); coding-DNA position 1271, G replaced by A.
Protein change: p.Cys424Tyr; replaces cysteine 424 with tyrosine.
Molecular consequence: missense variant.
Genome position (GRCh38, 1-based): chr6:6,195,831, C>T on the plus strand (G>A on the coding strand, the complement: F13A1 is on the minus strand). VCF-style: chr6-6195831-C-T. GRCh37 (hg19) VCF-style: chr6-6196064-C-T.
Other names: short protein forms C424Y.
Identifiers: ClinVar variation 2578139 (VCV002578139.1), dbSNP rs371619552, ClinGen allele CA3624399.

ClinVar aggregate classification (germline): Uncertain significance (1 of 4 stars; one submission).

Allele frequency attached by ClinVar (database versions not stated): ExAC 0.00002; gnomAD 0.00003; TOPMed 0.00004; gnomAD exomes 0.00007; ESP Exome Variant Server 0.00008.
gnomAD v4.1: 96 of 1,614,078 alleles (0.0059%); highest among the groups gnomAD compares: Non-Finnish European, 0.0081%; no homozygotes.

Submission:

GeneDx
Classification: Uncertain significance. Last evaluated: 2023-02-28. Review status: criteria provided, single submitter. Criteria: GeneDx Variant Classification Process June 2021. Collection method: clinical testing. Allele origin: germline. Affected: yes.
Comment: Not observed at significant frequency in large population cohorts (gnomAD); In silico analysis supports that this missense variant does not alter protein structure/function; Has not been previously published as pathogenic or benign to our knowledge